The following is an entry in ClinVar:

NM_000996.4(RPL35A):c.85A>G (p.Lys29Glu)

Genes: DRC9 (dynein regulatory complex subunit 9; minus strand), RPL35A (ribosomal protein L35a; plus strand). Cytogenetic location: 3q29.
Variant type: single nucleotide variant.
Coding change: c.85A>G on transcript NM_000996.4 (MANE Select); coding-DNA position 85, A replaced by G.
Protein change: p.Lys29Glu; replaces lysine 29 with glutamic acid.
Molecular consequence: missense variant. On other transcripts: intron variant (3).
Genome position (GRCh38, 1-based): chr3:197,951,232, A>G. VCF-style: chr3-197951232-A-G. GRCh37 (hg19) VCF-style: chr3-197678103-A-G.
Other names: c.85A>G, p.Lys29Glu (NM_001316311.2); c.-49-7181T>C (NM_001323028.2); c.-59-5546T>C (NM_032263.5); c.-374-5546T>C (NM_001323029.2); short protein forms K29E.
Identifiers: ClinVar variation 3008634 (VCV003008634.3), dbSNP rs1037614997, ClinGen allele CA91022753.

ClinVar aggregate classification (germline): Uncertain significance (1 of 4 stars; one submission).

Conditions:
Diamond-Blackfan anemia 5 (DBA5). Also called: RPL35A-Related Diamond-Blackfan Anemia. Identifiers: Orphanet 124, MedGen C2675859, MONDO:0012925, OMIM 612528.

Submission:

Labcorp Genetics (formerly Invitae), Labcorp
Classification: Uncertain significance for Diamond-Blackfan anemia 5. Last evaluated: 2023-05-14. Review status: criteria provided, single submitter. Criteria: Invitae Variant Classification Sherloc (09022015). Collection method: clinical testing. Allele origin: germline.
Comment: In summary, the available evidence is currently insufficient to determine the role of this variant in disease. Therefore, it has been classified as a Variant of Uncertain Significance. An algorithm developed to predict the effect of missense changes on protein structure and function (PolyPhen-2) suggests that this variant is likely to be disruptive. This variant has not been reported in the literature in individuals affected with RPL35A-related conditions. This variant is not present in population databases (gnomAD no frequency). This sequence change replaces lysine, which is basic and polar, with glutamic acid, which is acidic and polar, at codon 29 of the RPL35A protein (p.Lys29Glu).